The following is an entry in ClinVar:

NM_004100.5(EYA4):c.1066C>T (p.Arg356Trp)

Gene: EYA4 (EYA transcriptional coactivator and phosphatase 4; plus strand). Cytogenetic location: 6q23.2.
Variant type: single nucleotide variant.
Coding change: c.1066C>T on transcript NM_004100.5 (MANE Select); coding-DNA position 1066, C replaced by T.
Protein change: p.Arg356Trp; replaces arginine 356 with tryptophan.
Molecular consequence: missense variant.
Genome position (GRCh38, 1-based): chr6:133,481,558, C>T. VCF-style: chr6-133481558-C-T. GRCh37 (hg19) VCF-style: chr6-133802696-C-T.
Other names: c.1066C>T (NM_004100.4); c.904C>T, p.Arg302Trp (NM_001301012.2); c.1084C>T, p.Arg362Trp (NM_001301013.2); c.997C>T, p.Arg333Trp (NM_001370458.1, NM_172103.4); c.922C>T, p.Arg308Trp (NM_001370459.1); c.1066C>T, p.Arg356Trp (NM_172105.4); short protein forms R308W, R362W, R302W, R356W, R333W.
Identifiers: ClinVar variation 2884806 (VCV002884806.5), dbSNP rs776882781, ClinGen allele CA4008231.

ClinVar aggregate classification (germline): Uncertain significance. Review status: criteria provided, multiple submitters, no conflicts (2 of 4 stars). 2 submissions from 2 submitters: Uncertain significance (2). Last evaluated 2026-02-15.

Conditions:
Cardiovascular phenotype. Identifiers: MedGen CN230736.
Dilated cardiomyopathy 1J (CMD1J). Also called: CARDIOMYOPATHY, DILATED, WITH SENSORINEURAL HEARING LOSS, AUTOSOMAL DOMINANT. Identifiers: Orphanet 217622, MedGen C1854368, MONDO:0011541, OMIM 605362.

Allele frequency attached by ClinVar (database versions not stated): TOPMed 0.00001; ExAC 0.00003.
gnomAD v4.1: 8 of 1,613,888 alleles (0.0005%); highest among the groups gnomAD compares: Admixed American, 0.005%; no homozygotes.

Submissions (2):

Ambry Genetics
Classification: Uncertain significance for Cardiovascular phenotype. Last evaluated: 2026-02-15. Review status: criteria provided, single submitter. Criteria: Ambry Variant Classification Scheme 2023. Collection method: clinical testing. Allele origin: germline.
Comment: The p.R356W variant (also known as c.1066C>T), located in coding exon 11 of the EYA4 gene, results from a C to T substitution at nucleotide position 1066. The arginine at codon 356 is replaced by tryptophan, an amino acid with dissimilar properties. This amino acid position is conserved. In addition, the in silico prediction for this alteration is inconclusive. Based on the available evidence, the clinical significance of this variant remains unclear.

Labcorp Genetics (formerly Invitae), Labcorp
Classification: Uncertain significance for Dilated cardiomyopathy 1J. Last evaluated: 2025-12-01. Review status: criteria provided, single submitter. Criteria: Invitae Variant Classification Sherloc (09022015). Collection method: clinical testing. Allele origin: germline.
Comment: This sequence change replaces arginine, which is basic and polar, with tryptophan, which is neutral and slightly polar, at codon 356 of the EYA4 protein (p.Arg356Trp). This variant is present in population databases (rs776882781, gnomAD 0.01%). This variant has not been reported in the literature in individuals affected with EYA4-related conditions. ClinVar contains an entry for this variant (Variation ID: 2884806). Invitae Evidence Modeling of protein sequence and biophysical properties (such as structural, functional, and spatial information, amino acid conservation, physicochemical variation, residue mobility, and thermodynamic stability) has been performed for this missense variant. However, the output from this modeling did not meet the statistical confidence thresholds required to predict the impact of this variant on EYA4 protein function. In summary, the available evidence is currently insufficient to determine the role of this variant in disease. Therefore, it has been classified as a Variant of Uncertain Significance.